The following is an entry in ClinVar:

NM_006206.6(PDGFRA):c.1247C>T (p.Ser416Phe)

Gene: PDGFRA (platelet derived growth factor receptor alpha; plus strand). Cytogenetic location: 4q12.
Variant type: single nucleotide variant.
Coding change: c.1247C>T on transcript NM_006206.6 (MANE Select); coding-DNA position 1247, C replaced by T.
Protein change: p.Ser416Phe; replaces serine 416 with phenylalanine.
Molecular consequence: missense variant.
Genome position (GRCh38, 1-based): chr4:54,272,403, C>T. VCF-style: chr4-54272403-C-T. GRCh37 (hg19) VCF-style: chr4-55138570-C-T.
Other names: c.1247C>T, p.Ser416Phe (NM_001347827.2, NM_001347829.2); c.1322C>T, p.Ser441Phe (NM_001347828.2); c.1286C>T, p.Ser429Phe (NM_001347830.2); short protein forms S416F, S429F, S441F.
Identifiers: ClinVar variation 4745876 (VCV004745876.1).

ClinVar aggregate classification (germline): Uncertain significance (1 of 4 stars; one submission).

Conditions:
Gastrointestinal stromal tumor. Also called: Gastrointestinal stromal tumor, somatic; Gastrointestinal stroma tumor. Identifiers: Orphanet 44890, MedGen C0238198, MeSH D046152, MONDO:0011719, OMIM 606764, HP:0100723.

Submission:

Labcorp Genetics (formerly Invitae), Labcorp
Classification: Uncertain significance for Gastrointestinal stromal tumor. Last evaluated: 2025-02-10. Review status: criteria provided, single submitter. Criteria: Invitae Variant Classification Sherloc (09022015). Collection method: clinical testing. Allele origin: germline.
Comment: This sequence change replaces serine, which is neutral and polar, with phenylalanine, which is neutral and non-polar, at codon 416 of the PDGFRA protein (p.Ser416Phe). This variant is not present in population databases (gnomAD no frequency). This variant has not been reported in the literature in individuals affected with PDGFRA-related conditions. Invitae Evidence Modeling of protein sequence and biophysical properties (such as structural, functional, and spatial information, amino acid conservation, physicochemical variation, residue mobility, and thermodynamic stability) indicates that this missense variant is not expected to disrupt PDGFRA protein function with a negative predictive value of 80%. In summary, the available evidence is currently insufficient to determine the role of this variant in disease. Therefore, it has been classified as a Variant of Uncertain Significance.